The following is an entry in ClinVar:

NM_001365276.2(TNXB):c.5989G>C (p.Asp1997His)

Gene: TNXB (tenascin XB; minus strand). Cytogenetic location: 6p21.33.
Variant type: single nucleotide variant.
Coding change: c.5989G>C on transcript NM_001365276.2 (MANE Select); coding-DNA position 5989, G replaced by C.
Protein change: p.Asp1997His; replaces aspartic acid 1997 with histidine.
Molecular consequence: missense variant.
Genome position (GRCh38, 1-based): chr6:32,068,621, C>G on the plus strand (G>C on the coding strand, the complement: TNXB is on the minus strand). VCF-style: chr6-32068621-C-G. GRCh37 (hg19) VCF-style: chr6-32036398-C-G.
Other names: c.5989G>C, p.Asp1997His (NM_019105.8); short protein forms D1997H.
Identifiers: ClinVar variation 1750872 (VCV001750872.3), dbSNP rs2483573328, ClinGen allele CA363404813.
Genomic context (GRCh38, chr6:32,068,621, plus strand): 5'-AGTGGTCAAACTGTCCCTCGGGAACTGTCCAGGACAGGCTGAGGGAGTCAGGGGTGGCAT[C>G]TGTCACGGTCAGCTCCCCCAGGCGAGGCTTGATGGGGGGCTCGGGGGTTGCGGTGGGAGG-3'
Protein context (NP_001352205.1, residues 1987-2007): KPRLGELTVT[Asp1997His]ATPDSLSLSW

ClinVar aggregate classification (germline): Uncertain significance (1 of 4 stars; one submission).

Conditions:
Cardiovascular phenotype. Identifiers: MedGen CN230736.

gnomAD v4.1: 2 of 1,613,958 alleles (0.00012%); highest among the groups gnomAD compares: Non-Finnish European, 0.00017%; no homozygotes.

Submission:

Ambry Genetics
Classification: Uncertain significance for Cardiovascular phenotype. Last evaluated: 2025-12-16. Review status: criteria provided, single submitter. Criteria: Ambry Variant Classification Scheme 2023. Collection method: clinical testing. Allele origin: germline.
Comment: The p.D1997H variant (also known as c.5989G>C), located in coding exon 16 of the TNXB gene, results from a G to C substitution at nucleotide position 5989. The aspartic acid at codon 1997 is replaced by histidine, an amino acid with similar properties. This amino acid position is conserved. In addition, this alteration is predicted to be tolerated by in silico analysis. Since supporting evidence is limited at this time, the clinical significance of this alteration remains unclear.